The following is an entry in ClinVar:

ClinVar aggregate classification (germline): Uncertain significance (1 of 4 stars; one submission).

Conditions:
Inborn genetic diseases. Identifiers: MedGen C0950123, MeSH D030342.

Submission:

Ambry Genetics
Classification: Uncertain significance for Inborn genetic diseases. Last evaluated: 2025-08-09. Review status: criteria provided, single submitter. Criteria: Ambry Variant Classification Scheme 2023. Collection method: clinical testing. Allele origin: germline.
Comment: The p.T1404N variant (also known as c.4211C>A), located in coding exon 1 of the SAMD9L gene, results from a C to A substitution at nucleotide position 4211. The threonine at codon 1404 is replaced by asparagine, an amino acid with similar properties. This amino acid position is conserved. In addition, this alteration is predicted to be tolerated by in silico analysis. Based on the available evidence, the clinical significance of this variant remains unclear.

NM_152703.5(SAMD9L):c.4211C>A (p.Thr1404Asn)

Gene: SAMD9L (sterile alpha motif domain containing 9 like; minus strand). Cytogenetic location: 7q21.2.
Variant type: single nucleotide variant.
Coding change: c.4211C>A on transcript NM_152703.5 (MANE Select); coding-DNA position 4211, C replaced by A.
Protein change: p.Thr1404Asn; replaces threonine 1404 with asparagine.
Molecular consequence: missense variant.
Genome position (GRCh38, 1-based): chr7:93,131,761, G>T on the plus strand (C>A on the coding strand, the complement: SAMD9L is on the minus strand). VCF-style: chr7-93131761-G-T. GRCh37 (hg19) VCF-style: chr7-92761074-G-T.
Other names: c.4211C>A, p.Thr1404Asn (NM_001303496.3, NM_001303497.3, NM_001303498.3 and 5 more transcripts); short protein forms T1404N.
Identifiers: ClinVar variation 4159383 (VCV004159383.1).